The following is an entry in ClinVar:

ClinVar aggregate classification (germline): Uncertain significance (1 of 4 stars; one submission).

Allele frequency attached by ClinVar (database versions not stated): TOPMed 0.00001; gnomAD exomes 0.00002; ESP Exome Variant Server 0.00008.
gnomAD v4.1: 22 of 1,614,056 alleles (0.0014%); highest among the groups gnomAD compares: East Asian, 0.0089%; no homozygotes.

Submission:

Labcorp Genetics (formerly Invitae), Labcorp
Classification: Uncertain significance. Last evaluated: 2022-08-09. Review status: criteria provided, single submitter. Criteria: Invitae Variant Classification Sherloc (09022015). Collection method: clinical testing. Allele origin: germline.
Comment: In summary, the available evidence is currently insufficient to determine the role of this variant in disease. Therefore, it has been classified as a Variant of Uncertain Significance. Algorithms developed to predict the effect of missense changes on protein structure and function output the following: SIFT: "Tolerated"; PolyPhen-2: "Benign"; Align-GVGD: "Class C0". The histidine amino acid residue is found in multiple mammalian species, which suggests that this missense change does not adversely affect protein function. ClinVar contains an entry for this variant (Variation ID: 1360872). This variant has not been reported in the literature in individuals affected with LAMC3-related conditions. This variant is not present in population databases (gnomAD no frequency). This sequence change replaces arginine, which is basic and polar, with histidine, which is basic and polar, at codon 444 of the LAMC3 protein (p.Arg444His).

NM_006059.4(LAMC3):c.1331G>A (p.Arg444His)

Gene: LAMC3 (laminin subunit gamma 3; plus strand). Cytogenetic location: 9q34.12.
Variant type: single nucleotide variant.
Coding change: c.1331G>A on transcript NM_006059.4 (MANE Select); coding-DNA position 1331, G replaced by A.
Protein change: p.Arg444His; replaces arginine 444 with histidine.
Molecular consequence: missense variant.
Genome position (GRCh38, 1-based): chr9:131,041,684, G>A. VCF-style: chr9-131041684-G-A. GRCh37 (hg19) VCF-style: chr9-133917071-G-A.
Other names: short protein forms R444H.
Identifiers: ClinVar variation 1360872 (VCV001360872.8), dbSNP rs143849259, ClinGen allele CA200691256.